The following is an entry in ClinVar:

ClinVar aggregate classification (germline): Likely pathogenic (1 of 4 stars; one submission).

Conditions:
Propionic acidemia (PROP). Also called: GLYCINEMIA, KETOTIC; HYPERGLYCINEMIA WITH KETOACIDOSIS AND LEUKOPENIA; KETOTIC HYPERGLYCINEMIA. Identifiers: Orphanet 35, MedGen C0268579, MONDO:0011628, OMIM 606054, HP:0003571.

Submission:

Labcorp Genetics (formerly Invitae), Labcorp
Classification: Likely pathogenic for Propionic acidemia. Last evaluated: 2021-08-07. Review status: criteria provided, single submitter. Criteria: Invitae Variant Classification Sherloc (09022015). Collection method: clinical testing. Allele origin: germline.
Comment: This variant results in a copy number gain of the genomic region encompassing exons 13-16 of the PCCA gene. While the exact position of this variant cannot be determined from this data, sub-genic copy number gains are generally in tandem (PMID: 25640679) and may result in an absent or disrupted protein product. This variant has not been reported in the literature in individuals with PCCA-related conditions. Loss-of-function variants in PCCA are known to be pathogenic (PMID: 15464417). In summary, the currently available evidence indicates that the variant is pathogenic, but additional data are needed to prove that conclusively. Therefore, this variant has been classified as Likely Pathogenic.

Literature cited by the submitters: PubMed 25640679; PubMed 15464417.

NC_000013.10:g.(?_100953704)_(100962172_?)dup

Gene: PCCA (propionyl-CoA carboxylase subunit alpha; plus strand). Cytogenetic location: 13q32.3.
Variant type: Duplication.
Identifiers: ClinVar variation 2422807 (VCV002422807.3).